The following is an entry in ClinVar:

ClinVar aggregate classification (germline): Uncertain significance. Review status: criteria provided, multiple submitters, no conflicts (2 of 4 stars). 2 submissions from 2 submitters: Uncertain significance (2). Last evaluated 2025-10-03.

Conditions:
Inborn genetic diseases. Identifiers: MedGen C0950123, MeSH D030342.

gnomAD v4.1: 3 of 1,614,006 alleles (0.00019%); highest among the groups gnomAD compares: South Asian, 0.0011%; no homozygotes.

Submissions (2):

Ambry Genetics
Classification: Uncertain significance for Inborn genetic diseases. Last evaluated: 2025-10-03. Review status: criteria provided, single submitter. Criteria: Ambry Variant Classification Scheme 2023. Collection method: clinical testing. Allele origin: germline.
Comment: The p.R144L variant (also known as c.431G>T), located in coding exon 3 of the USB1 gene, results from a G to T substitution at nucleotide position 431. The arginine at codon 144 is replaced by leucine, an amino acid with dissimilar properties. This amino acid position is conserved. In addition, this alteration is predicted to be tolerated by in silico analysis. Based on the available evidence, the clinical significance of this variant remains unclear.

Labcorp Genetics (formerly Invitae), Labcorp
Classification: Uncertain significance. Last evaluated: 2025-04-22. Review status: criteria provided, single submitter. Criteria: Invitae Variant Classification Sherloc (09022015). Collection method: clinical testing. Allele origin: germline.
Comment: This sequence change replaces arginine, which is basic and polar, with leucine, which is neutral and non-polar, at codon 144 of the USB1 protein (p.Arg144Leu). This variant is not present in population databases (gnomAD no frequency). This variant has not been reported in the literature in individuals affected with USB1-related conditions. ClinVar contains an entry for this variant (Variation ID: 1464417). Invitae Evidence Modeling of protein sequence and biophysical properties (such as structural, functional, and spatial information, amino acid conservation, physicochemical variation, residue mobility, and thermodynamic stability) indicates that this missense variant is not expected to disrupt USB1 protein function with a negative predictive value of 80%. In summary, the available evidence is currently insufficient to determine the role of this variant in disease. Therefore, it has been classified as a Variant of Uncertain Significance.

NM_024598.4(USB1):c.431G>T (p.Arg144Leu)

Gene: USB1 (U6 snRNA biogenesis phosphodiesterase 1; plus strand). Cytogenetic location: 16q21.
Variant type: single nucleotide variant.
Coding change: c.431G>T on transcript NM_024598.4 (MANE Select); coding-DNA position 431, G replaced by T.
Protein change: p.Arg144Leu; replaces arginine 144 with leucine.
Molecular consequence: missense variant.
Genome position (GRCh38, 1-based): chr16:58,010,094, G>T. VCF-style: chr16-58010094-G-T. GRCh37 (hg19) VCF-style: chr16-58043998-G-T.
Other names: c.431G>T, p.Arg144Leu (NM_001195302.2, NM_001204911.2, NM_001330569.2); c.278G>T, p.Arg93Leu (NM_001330568.2); c.431G>T (NM_024598.3); short protein forms R93L, R144L.
Identifiers: ClinVar variation 1464417 (VCV001464417.5), dbSNP rs367780234, ClinGen allele CA396129301.
Genomic context (GRCh38, chr16:58,010,094, plus strand): 5'-CCCAGAGTGTGGTTCTGCGCCACCACTGGATCCTCCCCTTCGTGCAGGCTCTGAAAGCCC[G>T]TATGACCTCCTTCCACAGGTGAGTGCTTCTTCCCTCTGCCTCTCCACTCCCTCCCCTCCA-3'
Protein context (NP_078874.2, residues 134-154): ILPFVQALKA[Arg144Leu]MTSFHRFFFT